The following is an entry in ClinVar:

ClinVar aggregate classification (germline): Uncertain significance (1 of 4 stars; one submission).

Conditions:
Klippel-Feil syndrome 1, autosomal dominant (KFS1). Also called: CERVICAL VERTEBRAL FUSION, AUTOSOMAL DOMINANT. Identifiers: Orphanet 2345, MedGen C1861689, MONDO:0007306, OMIM 118100.
Microphthalmia, isolated, with coloboma 6 (MCOPCB6). Also called: MICROPHTHALMIA/COLOBOMA 6; Microphthalmia with coloboma 6; Microphthalmia with coloboma 6, digenic. Identifiers: Orphanet 98938, MedGen C3150968, MONDO:0013376, OMIM 613703.
Leber congenital amaurosis 17 (LCA17). Identifiers: Orphanet 65, MedGen C3715164, MONDO:0014145, OMIM 615360.
Isolated microphthalmia 4. Identifiers: Orphanet 2542, MedGen C2751307, MONDO:0013130, OMIM 613094.

Allele frequency attached by ClinVar (database versions not stated): gnomAD exomes below 0.00001.

Submission:

Labcorp Genetics (formerly Invitae), Labcorp
Classification: Uncertain significance for Isolated microphthalmia 4; Leber congenital amaurosis 17; Klippel-Feil syndrome 1, autosomal dominant; Microphthalmia, isolated, with coloboma 6. Last evaluated: 2020-02-02. Review status: criteria provided, single submitter. Criteria: Invitae Variant Classification Sherloc (09022015). Collection method: clinical testing. Allele origin: germline.
Comment: Algorithms developed to predict the effect of missense changes on protein structure and function are either unavailable or do not agree on the potential impact of this missense change (SIFT: "Deleterious"; PolyPhen-2: "Possibly Damaging"; Align-GVGD: "Class C0"). This sequence change replaces glutamic acid with lysine at codon 295 of the GDF6 protein (p.Glu295Lys). The glutamic acid residue is highly conserved and there is a small physicochemical difference between glutamic acid and lysine. The frequency data for this variant in the population databases is considered unreliable, as metrics indicate insufficient coverage at this position in the ExAC database. This variant has not been reported in the literature in individuals with GDF6-related conditions. In summary, the available evidence is currently insufficient to determine the role of this variant in disease. Therefore, it has been classified as a Variant of Uncertain Significance.

NM_001001557.4(GDF6):c.883G>A (p.Glu295Lys)

Gene: GDF6 (growth differentiation factor 6; minus strand). Cytogenetic location: 8q22.1.
Variant type: single nucleotide variant.
Coding change: c.883G>A on transcript NM_001001557.4 (MANE Select); coding-DNA position 883, G replaced by A.
Protein change: p.Glu295Lys; replaces glutamic acid 295 with lysine.
Molecular consequence: missense variant.
Genome position (GRCh38, 1-based): chr8:96,145,048, C>T on the plus strand (G>A on the coding strand, the complement: GDF6 is on the minus strand). VCF-style: chr8-96145048-C-T. GRCh37 (hg19) VCF-style: chr8-97157276-C-T.
Other names: short protein forms E295K.
Identifiers: ClinVar variation 1037153 (VCV001037153.9), dbSNP rs1451309614, ClinGen allele CA371751599.
Genomic context (GRCh38, chr8:96,145,048, plus strand): 5'-GCGGCCACGACCCCTCGGCGCCCGCGCCCGGGCCCGCAGCCTCGGCCGAGCCCAGCTGCT[C>T]GCGCATCTCTGCGAACAGGTTCTTGCGCTGGGATCTGGTGAATACCACCAGCAGGGCCCG-3'
Protein context (NP_001001557.1, residues 285-305): QRKNLFAEMR[Glu295Lys]QLGSAEAAGP